The following is an entry in ClinVar:

ClinVar aggregate classification (germline): Pathogenic. Review status: criteria provided, multiple submitters, no conflicts (2 of 4 stars). 2 submissions from 2 submitters: Pathogenic (2). Last evaluated 2024-05-14.

Conditions:
RPE65-related recessive retinopathy. Also called: Recessive RPE65 retinopathy. Identifiers: MedGen CN305526, MONDO:0100368.
Retinitis pigmentosa 20 (RP20). Identifiers: Orphanet 791, MedGen C3151086, MONDO:0013425, OMIM 613794.
Leber congenital amaurosis 2 (LCA2). Also called: AMAUROSIS CONGENITA OF LEBER II; Autosomal Recessive RPE65-Related Retinal Degeneration. Identifiers: Orphanet 65, MedGen C1859844, MONDO:0008765, OMIM 204100. Disease mechanism: loss of function.

Submissions (2):

Myriad Genetics, Inc.
Classification: Pathogenic for RPE65-related recessive retinopathy. Last evaluated: 2024-05-14. Review status: criteria provided, single submitter. Criteria: Myriad Autosomal Dominant, Autosomal Recessive and X-Linked Classification Criteria (2023). Collection method: clinical testing. Allele origin: unknown.
Comment: NM_000329.2(RPE65):c.1028T>G(L343*) is expected to be pathogenic in the context of inherited retinal dystrophy, RPE65-related. This variant is predicted to lead to an abnormal or absent protein product due to the creation of a premature termination codon in RPE65, a gene where loss-of-function variants are known to be pathogenic. Please note: this variant was assessed in the context of healthy population screening.

Labcorp Genetics (formerly Invitae), Labcorp
Classification: Pathogenic for Leber congenital amaurosis 2; Retinitis pigmentosa 20. Last evaluated: 2024-02-08. Review status: criteria provided, single submitter. Criteria: Invitae Variant Classification Sherloc (09022015). Collection method: clinical testing. Allele origin: germline.
Comment: This sequence change creates a premature translational stop signal (p.Leu343*) in the RPE65 gene. It is expected to result in an absent or disrupted protein product. Loss-of-function variants in RPE65 are known to be pathogenic (PMID: 9326941, 9501220, 9843205, 18632300). This variant is not present in population databases (gnomAD no frequency). This premature translational stop signal has been observed in individual(s) with Leber congenital amaurosis (PMID: 15837919). ClinVar contains an entry for this variant (Variation ID: 1072114). For these reasons, this variant has been classified as Pathogenic.

Literature cited by the submitters: PubMed 9326941 (cited by Labcorp Genetics (formerly Invitae), Labcorp); PubMed 9501220 (cited by Labcorp Genetics (formerly Invitae), Labcorp); PubMed 9843205 (cited by Labcorp Genetics (formerly Invitae), Labcorp); PubMed 18632300 (cited by Labcorp Genetics (formerly Invitae), Labcorp); PubMed 15837919 (cited by Labcorp Genetics (formerly Invitae), Labcorp).

NM_000329.3(RPE65):c.1028T>G (p.Leu343Ter)

Gene: RPE65 (retinoid isomerohydrolase RPE65; minus strand). Cytogenetic location: 1p31.3.
Variant type: single nucleotide variant.
Coding change: c.1028T>G on transcript NM_000329.3 (MANE Select); coding-DNA position 1028, T replaced by G.
Protein change: p.Leu343Ter; replaces leucine 343 with a stop codon.
Molecular consequence: nonsense.
Genome position (GRCh38, 1-based): chr1:68,438,287, A>C on the plus strand (T>G on the coding strand, the complement: RPE65 is on the minus strand). VCF-style: chr1-68438287-A-C. GRCh37 (hg19) VCF-style: chr1-68903970-A-C.
Other names: short protein forms L343*.
Identifiers: ClinVar variation 1072114 (VCV001072114.10), dbSNP rs2100817136, ClinGen allele CA340744362.
Genomic context (GRCh38, chr1:68,438,287, plus strand): 5'-GGTTGGGGAGCCTTTCTGGCATTTTTTTTCACCTCTTCCCAGTTCTCACGTAAATTGGCT[A>C]AATATAAGTAATTATAAACAAACTCAAATCTGCAAAAATAAAAAGTCAAACATGAGCACA-3'